The following is an entry in ClinVar:

NM_032603.5(LOXL3):c.591_596del (p.Trp197_Gln199delinsTer)

Genes: DOK1 (docking protein 1; plus strand), LOXL3 (lysyl oxidase like 3; minus strand). Cytogenetic location: 2p13.1.
Variant type: Deletion.
Coding change: c.591_596del on transcript NM_032603.5 (MANE Select); coding-DNA positions 591 to 596, 6 bases deleted (GTCGCA; older notation c.591_596delGTCGCA).
Protein change: p.Trp197_Gln199delinsTer.
Molecular consequence: nonsense. On other transcripts: 5 prime UTR variant (1), intron variant (2).
Genome position (GRCh38, 1-based): chr2:74,549,465-74,549,470, TGCGAC deleted on the plus strand (GTCGCA on the coding strand, the reverse complement: LOXL3 is on the minus strand). VCF-style (leftmost placement, unchanged base first): chr2-74549464-TTGCGAC-T. GRCh37 (hg19) VCF-style: chr2-74776591-TTGCGAC-T.
Other names: c.-273_-268del (NM_001289165.2); c.477+715_477+720del (NM_001289164.3); c.-358+293_-358+298del (NM_001197260.2).
Identifiers: ClinVar variation 2000990 (VCV002000990.4), dbSNP rs2530017229, ClinGen allele CA2580068210.
Genomic context (GRCh38, chr2:74,549,464, plus strand): 5'-GAAGCCCAGCATCCCGCAGACCACGTGGCTGTTGTGGGCGCTCCAGCCTTTGTCGCACAC[TTGCGAC>T]CAGCCGTCAGGAAGCCTGACTTCCACCAGCCCCTCCGTCACGGGCAGGGGTCGTCTGCCC-3'

ClinVar aggregate classification (germline): Uncertain significance (1 of 4 stars; one submission).

Allele frequency attached by ClinVar (database versions not stated): gnomAD exomes 0.00001.

Submission:

Labcorp Genetics (formerly Invitae), Labcorp
Classification: Uncertain significance. Last evaluated: 2025-05-05. Review status: criteria provided, single submitter. Criteria: Invitae Variant Classification Sherloc (09022015). Collection method: clinical testing. Allele origin: germline.
Comment: This sequence change creates a premature translational stop signal (p.Trp197*) in the LOXL3 gene. It is expected to result in an absent or disrupted protein product. However, the current clinical and genetic evidence is not sufficient to establish whether loss-of-function variants in LOXL3 cause disease. This variant is not present in population databases (gnomAD no frequency). This variant has not been reported in the literature in individuals affected with LOXL3-related conditions. ClinVar contains an entry for this variant (Variation ID: 2000990). In summary, the available evidence is currently insufficient to determine the role of this variant in disease. Therefore, it has been classified as a Variant of Uncertain Significance.